The following is an entry in ClinVar:

ClinVar aggregate classification (germline): Uncertain significance. Review status: criteria provided, multiple submitters, no conflicts (2 of 4 stars). 3 submissions from 3 submitters: Uncertain significance (3). Last evaluated 2025-04-11.

Conditions:
Inborn genetic diseases. Identifiers: MedGen C0950123, MeSH D030342.
Donnai-Barrow syndrome. Also called: DBS/FOAR SYNDROME; FACIOOCULOACOUSTICORENAL SYNDROME. Identifiers: Orphanet 2143, MedGen C1857277, MONDO:0009104, OMIM 222448.

Allele frequency attached by ClinVar (database versions not stated): gnomAD 0.00001; TOPMed 0.00001.
gnomAD v4.1: 11 of 1,613,946 alleles (0.00068%); highest among the groups gnomAD compares: Middle Eastern, 0.016%; no homozygotes.

Submissions (3):

Ambry Genetics
Classification: Uncertain significance for Inborn genetic diseases. Last evaluated: 2025-04-11. Review status: criteria provided, single submitter. Criteria: Ambry Variant Classification Scheme 2023. Collection method: clinical testing. Allele origin: germline.

Fulgent Genetics
Classification: Uncertain significance for Donnai-Barrow syndrome. Last evaluated: 2024-04-18. Review status: criteria provided, single submitter. Criteria: ACMG Guidelines, 2015. Collection method: clinical testing. Allele origin: germline.

Labcorp Genetics (formerly Invitae), Labcorp
Classification: Uncertain significance. Last evaluated: 2022-09-27. Review status: criteria provided, single submitter. Criteria: Invitae Variant Classification Sherloc (09022015). Collection method: clinical testing. Allele origin: germline.
Comment: This sequence change replaces arginine, which is basic and polar, with cysteine, which is neutral and slightly polar, at codon 1479 of the LRP2 protein (p.Arg1479Cys). This variant is present in population databases (rs760099721, gnomAD no frequency). This variant has not been reported in the literature in individuals affected with LRP2-related conditions. ClinVar contains an entry for this variant (Variation ID: 1410152). Advanced modeling of protein sequence and biophysical properties (such as structural, functional, and spatial information, amino acid conservation, physicochemical variation, residue mobility, and thermodynamic stability) performed at Invitae indicates that this missense variant is not expected to disrupt LRP2 protein function. In summary, the available evidence is currently insufficient to determine the role of this variant in disease. Therefore, it has been classified as a Variant of Uncertain Significance.

NM_004525.3(LRP2):c.4435C>T (p.Arg1479Cys)

Gene: LRP2 (LDL receptor related protein 2; minus strand). Cytogenetic location: 2q31.1.
Variant type: single nucleotide variant.
Coding change: c.4435C>T on transcript NM_004525.3 (MANE Select); coding-DNA position 4435, C replaced by T.
Protein change: p.Arg1479Cys; replaces arginine 1479 with cysteine.
Molecular consequence: missense variant.
Genome position (GRCh38, 1-based): chr2:169,238,162, G>A on the plus strand (C>T on the coding strand, the complement: LRP2 is on the minus strand). VCF-style: chr2-169238162-G-A. GRCh37 (hg19) VCF-style: chr2-170094672-G-A.
Other names: c.4435C>T (NM_004525.2); short protein forms R1479C.
Identifiers: ClinVar variation 1410152 (VCV001410152.5), dbSNP rs760099721, ClinGen allele CA1954806.
Genomic context (GRCh38, chr2:169,238,162, plus strand): 5'-CCGTTCCATTTTGAAACGCACTCCAGGTTTTACCCTGAGTTGCATCAGACCAAAAGATAC[G>A]ACCACTAATTGAATCAAAATCAACAGCTACAATGTAAGAACCATTCTCGACCAATGAATA-3'
Protein context (NP_004516.2, residues 1469-1489): VAVDFDSISG[Arg1479Cys]IFWSDATQGK